The following is an entry in ClinVar:

NM_001005242.3(PKP2):c.1895G>A (p.Trp632Ter)

Gene: PKP2 (plakophilin 2; minus strand). Cytogenetic location: 12p11.21.
Variant type: single nucleotide variant.
Coding change: c.1895G>A on transcript NM_001005242.3 (MANE Select); coding-DNA position 1895, G replaced by A.
Protein change: p.Trp632Ter; replaces tryptophan 632 with a stop codon.
Molecular consequence: nonsense.
Genome position (GRCh38, 1-based): chr12:32,821,474, C>T on the plus strand (G>A on the coding strand, the complement: PKP2 is on the minus strand). VCF-style: chr12-32821474-C-T. GRCh37 (hg19) VCF-style: chr12-32974408-C-T.
Other names: c.1895G>A, p.Trp632Ter (NM_001407155.1, NM_001407161.1); c.1730G>A, p.Trp577Ter (NM_001407156.1); c.2027G>A, p.Trp676Ter (NM_001407157.1, NM_004572.4); c.1568G>A, p.Trp523Ter (NM_001407158.1, NM_001407159.1, NM_001407160.1 and 1 more transcripts); short protein forms W523*, W577*, W632*, W676*.
Identifiers: ClinVar variation 4888419 (VCV004888419.2).

ClinVar aggregate classification (germline): Pathogenic/Likely pathogenic. Review status: criteria provided, multiple submitters, no conflicts (2 of 4 stars). 2 submissions from 2 submitters: Pathogenic (1); Likely pathogenic (1). Last evaluated 2024-11-13.

Conditions:
PKP2-related disorder. Also called: PKP2-related condition.
Arrhythmogenic right ventricular dysplasia 9 (ARVD9). Also called: Arrhythmogenic Right Ventricular Dysplasia/Cardiomyopathy 9; ARRHYTHMOGENIC RIGHT VENTRICULAR DYSPLASIA, FAMILIAL, 9. Identifiers: MedGen C1836906, MONDO:0012180, OMIM 609040.

gnomAD v4.1: 2 of 1,614,052 alleles (0.00012%); highest among the groups gnomAD compares: African/African-American, 0.0013%; no homozygotes.

Submissions (2):

Blueprint Genetics
Classification: Pathogenic for PKP2-related disorders. Last evaluated: 2024-11-13. Review status: criteria provided, single submitter. Criteria: ACMG Guidelines, 2015. Collection method: clinical testing. Allele origin: germline. Affected: yes. Observed: 1 variant allele.

New York Genome Center
Classification: Likely pathogenic for Arrhythmogenic right ventricular dysplasia 9. Last evaluated: 2024-07-03. Review status: criteria provided, single submitter. Criteria: NYGC Assertion Criteria 2020. Collection method: clinical testing. Allele origin: inherited. Observed: 1 variant allele, 1 heterozygote.
Comment: The c.2027G>A p.(Trp676Ter) variant in PKP2 is located in exon 10 of this 14-exon gene and is predicted to incorporate a premature termination codon which is expected to result in loss-of-function via nonsense mediated mRNA decay. This variant is observed on two alleles in the gnomAD (v4.1.0) and the All of Us databases of genetic variants in the general population, suggesting that it is not a common benign variant in the populations represented by those databases. This variant has not been deposited in ClinVar but is reported once in the literature in an individual with ARVC [PMID: 30161220]. Predicted loss-of-function variants in exon 10 as well as in upstream and downstream exons of PKP2 have been reported in the literature and in ClinVar. Based on available evidence this inherited c.2027G>A p.(Trp676Ter) variant identified in PKP2 is classified as Likely Pathogenic.